The following is an entry in ClinVar:

NC_000003.12:g.49422370_49422479del

Genes: AMT (aminomethyltransferase; minus strand), NICN1 (nicolin 1, tubulin polyglutamylase complex subunit; minus strand). Cytogenetic location: 3p21.31.
Variant type: Deletion.
Molecular consequence: 3 prime UTR variant (on NM_032316.3).
Genome position: GRCh38: chr3:49,422,370-49,422,479. GRCh37 (hg19): chr3:49,459,803-49,459,912.
Other names: c.*2359_*2468del (NM_032316.3).
Identifiers: ClinVar variation 965232 (VCV000965232.8), dbSNP rs2049123051, ClinGen allele CA1139658070.

ClinVar aggregate classification (germline): Likely pathogenic (1 of 4 stars; one submission).

Conditions:
Glycine encephalopathy. Also called: Nonketotic hyperglycinemia; Non-ketotic hyperglycinemia. Identifiers: Orphanet 407, MedGen C0751748, MONDO:0011612, HP:0008288.

Submission:

Labcorp Genetics (formerly Invitae), Labcorp
Classification: Likely pathogenic for Glycine encephalopathy. Last evaluated: 2020-11-03. Review status: criteria provided, single submitter. Criteria: Invitae Variant Classification Sherloc (09022015). Collection method: clinical testing. Allele origin: germline.
Comment: This variant has not been reported in the literature in individuals with AMT-related conditions. ClinVar contains an entry for this variant (Variation ID: 965232). If the downstream in-frame methionine at codon 49 is utilized for translation initiation, this variant would expect to disrupt the p.Gly47 amino acid residue in AMT. Other variant(s) that disrupt this residue have been determined to be pathogenic (PMID: 8005589, 27362913, 23352163). This suggests that this residue is clinically significant, and that variants that disrupt this residue are likely to be disease-causing. In summary, the currently available evidence indicates that the variant is pathogenic, but additional data are needed to prove that conclusively. Therefore, this variant has been classified as Likely Pathogenic. This variant is not present in population databases (ExAC no frequency). This sequence change affects the initiator methionine of the AMT mRNA. The next in-frame methionine is located at codon p.Met49.

Literature cited by the submitters: PubMed 8005589; PubMed 27362913; PubMed 23352163.